The following is an entry in ClinVar:

NM_033305.3(VPS13A):c.6828del (p.Val2277fs)

Gene: VPS13A (vacuolar protein sorting 13 homolog A; plus strand). Cytogenetic location: 9q21.2.
Variant type: Deletion.
Coding change: c.6828del on transcript NM_033305.3 (MANE Select); coding-DNA position 6828, one base deleted (T; older notation c.6828delT).
Protein change: p.Val2277fs; shifts the reading frame from valine 2277.
Molecular consequence: frameshift variant.
Genome position (GRCh38, 1-based): chr9:77,340,231, T deleted. VCF-style (leftmost placement, unchanged base first): chr9-77340230-CT-C. GRCh37 (hg19) VCF-style: chr9-79955146-CT-C.
Other names: c.6711del, p.Val2238fs (NM_001018037.2); c.6828del, p.Val2277fs (NM_001018038.3, NM_015186.4); short protein forms V2238fs, V2277fs.
Identifiers: ClinVar variation 5011622 (VCV005011622.1).

ClinVar aggregate classification (germline): Pathogenic (1 of 4 stars; one submission).

Conditions:
VPS13A-related neurodegenerative disease. Also called: ACANTHOCYTOSIS WITH NEUROLOGIC DISORDER; LEVINE-CRITCHLEY SYNDROME; Choreoacanthocytosis; Chorea-acanthocytosis; Choreaacanthocytosis; VPS13A Disease. Identifiers: Orphanet 2388, MedGen C0393576, MONDO:0008695, OMIM 200150.

Submission:

Myriad Genetics, Inc.
Classification: Pathogenic for VPS13A-related neurodegenerative disease. Last evaluated: 2024-05-14. Review status: criteria provided, single submitter. Criteria: Myriad Autosomal Dominant, Autosomal Recessive and X-Linked Classification Criteria (2023). Collection method: clinical testing. Allele origin: unknown.
Comment: NM_033305.2(VPS13A):c.6828delT(V2277Lfs*12) is expected to be pathogenic in the context of VPS13A disease. This variant is predicted to lead to an abnormal or absent protein product due to the creation of a premature termination codon in VPS13A, a gene where loss-of-function variants are known to be pathogenic. Please note: this variant was assessed in the context of healthy population screening.